The following is an entry in ClinVar:

NM_001003694.2(BRPF1):c.196C>T (p.Arg66Cys)

Gene: BRPF1 (bromodomain and PHD finger containing 1; plus strand). Cytogenetic location: 3p25.3.
Variant type: single nucleotide variant.
Coding change: c.196C>T on transcript NM_001003694.2 (MANE Select); coding-DNA position 196, C replaced by T.
Protein change: p.Arg66Cys; replaces arginine 66 with cysteine.
Molecular consequence: missense variant. On other transcripts: non-coding transcript variant (1).
Genome position (GRCh38, 1-based): chr3:9,734,336, C>T. VCF-style: chr3-9734336-C-T. GRCh37 (hg19) VCF-style: chr3-9776020-C-T.
Other names: c.196C>T, p.Arg66Cys (NM_001319049.2, NM_001319050.2, NM_001410704.1 and 1 more transcripts); short protein forms R66C.
Identifiers: ClinVar variation 3064549 (VCV003064549.3), dbSNP rs755029735, ClinGen allele CA2241657.

ClinVar aggregate classification (germline): Conflicting classifications of pathogenicity. Review status: criteria provided, conflicting classifications (1 of 4 stars). 2 submissions from 2 submitters: Uncertain significance (1); Likely benign (1). Last evaluated 2025-11-26.

Conditions:
Intellectual developmental disorder with dysmorphic facies and ptosis (IDDDFP). Identifiers: Orphanet 698090, MedGen C4310617, MONDO:0015022, OMIM 617333.

Allele frequency attached by ClinVar (database versions not stated): gnomAD exomes below 0.00001; ExAC 0.00001.
gnomAD v4.1: 2 of 1,614,070 alleles (0.00012%); highest among the groups gnomAD compares: Non-Finnish European, 0.00017%; no homozygotes.

Submissions (2):

Women's Health and Genetics/Laboratory Corporation of America, LabCorp
Classification: Uncertain significance. Last evaluated: 2025-11-26. Review status: criteria provided, single submitter. Criteria: LabCorp Variant Classification Summary - May 2015. Collection method: clinical testing. Allele origin: germline.
Comment: Variant summary: BRPF1 c.196C>T (p.Arg66Cys) results in a non-conservative amino acid change in the encoded protein sequence. Algorithms developed to predict the effect of missense changes on protein structure and function are either unavailable or do not agree on the potential impact of this missense change. The variant allele was found at a frequency of 4e-06 in 250998 control chromosomes. The available data on variant occurrences in the general population are insufficient to allow any conclusion about variant significance. To our knowledge, no occurrence of c.196C>T in individuals affected with BRPF1-related conditions and no experimental evidence demonstrating its impact on protein function have been reported. ClinVar contains an entry for this variant (Variation ID: 3064549). Based on the evidence outlined above, the variant was classified as uncertain significance.

Genomic Medicine Center of Excellence, King Faisal Specialist Hospital and Research Centre
Classification: Likely benign for Intellectual developmental disorder with dysmorphic facies and ptosis. Last evaluated: 2024-03-25. Review status: criteria provided, single submitter. Criteria: ACMG Guidelines, 2015. Collection method: research. Allele origin: germline.